The following is an entry in ClinVar:

ClinVar aggregate classification (germline): Uncertain significance (1 of 4 stars; one submission).

Allele frequency attached by ClinVar (database versions not stated): ExAC 0.00001; gnomAD exomes 0.00001.
gnomAD v4.1: 18 of 1,610,158 alleles (0.0011%); highest among the groups gnomAD compares: African/African-American, 0.008%; no homozygotes.

Submission:

Labcorp Genetics (formerly Invitae), Labcorp
Classification: Uncertain significance. Last evaluated: 2022-08-31. Review status: criteria provided, single submitter. Criteria: Invitae Variant Classification Sherloc (09022015). Collection method: clinical testing. Allele origin: germline.
Comment: This sequence change replaces glycine, which is neutral and non-polar, with arginine, which is basic and polar, at codon 325 of the ADAMTSL4 protein (p.Gly325Arg). This variant is present in population databases (rs767817205, gnomAD 0.009%). This variant has not been reported in the literature in individuals affected with ADAMTSL4-related conditions. ClinVar contains an entry for this variant (Variation ID: 1383345). Algorithms developed to predict the effect of missense changes on protein structure and function output the following: SIFT: "Tolerated"; PolyPhen-2: "Benign"; Align-GVGD: "Class C0". The arginine amino acid residue is found in multiple mammalian species, which suggests that this missense change does not adversely affect protein function. Algorithms developed to predict the effect of sequence changes on RNA splicing suggest that this variant may create or strengthen a splice site. In summary, the available evidence is currently insufficient to determine the role of this variant in disease. Therefore, it has been classified as a Variant of Uncertain Significance.

NM_019032.6(ADAMTSL4):c.973G>A (p.Gly325Arg)

Genes: ADAMTSL4 (ADAMTS like 4; plus strand), ADAMTSL4-AS2 (ADAMTSL4 antisense RNA 2; minus strand). Cytogenetic location: 1q21.2.
Variant type: single nucleotide variant.
Coding change: c.973G>A on transcript NM_019032.6 (MANE Select); coding-DNA position 973, G replaced by A.
Protein change: p.Gly325Arg; replaces glycine 325 with arginine.
Molecular consequence: missense variant.
Genome position (GRCh38, 1-based): chr1:150,553,964, G>A. VCF-style: chr1-150553964-G-A. GRCh37 (hg19) VCF-style: chr1-150526440-G-A.
Other names: c.973G>A, p.Gly325Arg (NM_001288607.2, NM_001288608.2, NM_001378596.1 and 1 more transcripts); short protein forms G325R.
Identifiers: ClinVar variation 1383345 (VCV001383345.3), dbSNP rs767817205, ClinGen allele CA1078087.
Genomic context (GRCh38, chr1:150,553,964, plus strand): 5'-GTCCCTCGGGGCCGAGGCCAGCAGGGCCAAGGGCCTTGGGGAACGGGGGGGACTCCTCAC[G>A]GGCCCCGCCTGGAGCCTGACCCTCAGCACCCGGGCGCCTGGCTGCCCCTGCTGAGCAACG-3'
Protein context (NP_061905.2, residues 315-335): GPWGTGGTPH[Gly325Arg]PRLEPDPQHP